The following is an entry in ClinVar:

ClinVar aggregate classification (germline): Benign. Review status: reviewed by expert panel (3 of 4 stars). 11 submissions from 11 submitters: Benign (1). 10 of the submissions do not count toward it. Last evaluated 2025-01-08.

Conditions:
Autosomal recessive limb-girdle muscular dystrophy. Identifiers: Orphanet 102015, MedGen C2931907, MONDO:0015152.
Neuromuscular disease caused by qualitative or quantitative defects of dysferlin. Also called: Qualitative or quantitative defects of dysferlin; Dysferlinopathy. Identifiers: Orphanet 207073, MedGen C2931687, MONDO:0016145.
Autosomal recessive limb-girdle muscular dystrophy type 2B (LGMDR2). Also called: MUSCULAR DYSTROPHY, LIMB-GIRDLE, TYPE 3; Limb-Girdle Muscular Dystrophy Type 2B (LGMD2B); MUSCULAR DYSTROPHY, LIMB-GIRDLE, AUTOSOMAL RECESSIVE 2; Limb-girdle muscular dystrophy, type 2B. Identifiers: Orphanet 268, MedGen C1850889, MONDO:0009676, OMIM 253601.

Allele frequency attached by ClinVar (database versions not stated): TOPMed 0.00648; 1000 Genomes Project 30x 0.00187; 1000 Genomes Project 0.00220; gnomAD 0.00580; ESP Exome Variant Server 0.00807.
gnomAD v4.1: 13,380 of 1,614,228 alleles (0.83%); highest among the groups gnomAD compares: Non-Finnish European, 1%; 81 homozygotes.

Submissions (11):

ClinGen Limb Girdle Muscular Dystrophy Variant Curation Expert Panel, ClinGen
Classification: Benign for Autosomal recessive limb-girdle muscular dystrophy. Last evaluated: 2025-01-08. Review status: reviewed by expert panel. Criteria: ClinGen LGMD VCEP ACMG Specifications DYSF V1.0.0. Collection method: curation. Allele origin: germline. Inheritance: Autosomal recessive inheritance.
Comment: The NM_003494.4: c.1120G>C variant in DYSF, which is also known as NM_001130987.2: c.1216G>C p.(Val406Leu), is a missense variant predicted to cause substitution of valine by leucine at amino acid 374 (p.Val374Leu). The filtering allele frequency of the variant is 0.009514 for European (non-Finnish) genome chromosomes in gnomAD v3.1.2 (the lower threshold of the 95% CI of 926/152226), which is higher than the VCEP threshold of 0.003 (BA1). This variant has also been observed in cis with the variant c.610C>T p.(Arg204Ter), which is classified as pathogenic by the ClinGen LGMD VCEP (PMID: 25135358) (BP2). The SpliceAI score for this variant is 0, suggesting it does not impact splicing. However, the computational predictor REVEL gives a score of 0.21, which is above the LGMD VCEP threshold predicting a benign impact on DYSF function (≤0.1; BP4 not met). In summary, this variant meets the criteria to be classified as Benign for autosomal recessive limb girdle muscular dystrophy based on the ACMG/AMP criteria applied, as specified by the ClinGen LGMD VCEP (LGMD VCEP specifications version 1.0.0; 01/08/2025): BA1, BP2.

CeGaT Center for Human Genetics Tuebingen
Classification: Benign. Last evaluated: 2026-09-01. Review status: criteria provided, single submitter. Criteria: CeGaT Center For Human Genetics Tuebingen Variant Classification Criteria Version 2. Collection method: clinical testing. Allele origin: germline. Affected: yes. Observed: 40 variant alleles. Not counted in ClinVar's aggregate classification.
Comment: DYSF: BP4, BS1, BS2

Labcorp Genetics (formerly Invitae), Labcorp
Classification: Benign for Neuromuscular disease caused by qualitative or quantitative defects of dysferlin. Last evaluated: 2026-02-02. Review status: criteria provided, single submitter. Criteria: Invitae Variant Classification Sherloc (09022015). Collection method: clinical testing. Allele origin: germline. Not counted in ClinVar's aggregate classification.

Blueprint Genetics
Classification: Likely benign. Last evaluated: 2024-11-22. Review status: criteria provided, single submitter. Criteria: ACMG Guidelines, 2015. Collection method: clinical testing. Allele origin: germline. Not counted in ClinVar's aggregate classification.

Mayo Clinic Laboratories, Mayo Clinic
Classification: Benign. Last evaluated: 2023-12-26. Review status: criteria provided, single submitter. Criteria: ACMG Guidelines, 2015. Collection method: clinical testing. Allele origin: germline. Observed: 8 variant alleles. Not counted in ClinVar's aggregate classification.
Comment: BS1, BS2, BP4

Athena Diagnostics
Classification: Benign. Last evaluated: 2017-09-14. Review status: criteria provided, single submitter. Criteria: Athena Diagnostics Criteria. Collection method: clinical testing. Allele origin: germline. Not counted in ClinVar's aggregate classification.

Center for Pediatric Genomic Medicine, Children's Mercy Hospital and Clinics
Classification: Benign. Last evaluated: 2017-05-08. Review status: criteria provided, single submitter. Criteria: ACMG Guidelines, 2015. Collection method: clinical testing. Allele origin: germline. Not counted in ClinVar's aggregate classification.

GeneDx
Classification: Benign. Last evaluated: 2016-06-16. Review status: criteria provided, single submitter. Criteria: GeneDx Variant Classification (06012015). Collection method: clinical testing. Allele origin: germline. Affected: yes. Not counted in ClinVar's aggregate classification.
Comment: This variant is considered likely benign or benign based on one or more of the following criteria: it is a conservative change, it occurs at a poorly conserved position in the protein, it is predicted to be benign by multiple in silico algorithms, and/or has population frequency not consistent with disease.

Eurofins Ntd Llc (ga)
Classification: Benign. Last evaluated: 2016-05-20. Review status: criteria provided, single submitter. Criteria: EGL Classification Definitions 2015. Collection method: clinical testing. Allele origin: germline. Observed: 3 variant alleles, 3 heterozygotes. Not counted in ClinVar's aggregate classification.

Natera, Inc.
Classification: Benign for Limb-girdle muscular dystrophy type 2B. Last evaluated: 2020-01-12. Review status: no assertion criteria provided. Collection method: clinical testing. Allele origin: germline. Not counted in ClinVar's aggregate classification.

Counsyl
Classification: Likely benign for Autosomal recessive limb-girdle muscular dystrophy type 2B. Last evaluated: 2017-11-21. Review status: no assertion criteria provided. Collection method: clinical testing. Allele origin: unknown. Not counted in ClinVar's aggregate classification.

Literature cited by the submitters: PubMed 16100712 (cited by Athena Diagnostics and Counsyl); PubMed 17897828 (cited by Athena Diagnostics and Counsyl); PubMed 18392839 (cited by Athena Diagnostics); PubMed 18853459 (cited by Athena Diagnostics and Counsyl); PubMed 19528035 (cited by Athena Diagnostics and Counsyl); PubMed 25312915 (cited by Athena Diagnostics and Counsyl); PubMed 25135358 (cited by Athena Diagnostics and Counsyl); PubMed 23530687 (cited by Counsyl); PubMed 20544924 (cited by Counsyl); PubMed 17070050 (cited by Counsyl); PubMed 21522182 (cited by Counsyl).

NM_001130987.2(DYSF):c.1216G>C (p.Val406Leu)

Gene: DYSF (dysferlin; plus strand). Cytogenetic location: 2p13.2.
Variant type: single nucleotide variant.
Coding change: c.1216G>C on transcript NM_001130987.2 (MANE Select); coding-DNA position 1216, G replaced by C.
Protein change: p.Val406Leu; replaces valine 406 with leucine.
Molecular consequence: missense variant.
Genome position (GRCh38, 1-based): chr2:71,526,286, G>C. VCF-style: chr2-71526286-G-C. GRCh37 (hg19) VCF-style: chr2-71753416-G-C.
Other names: NM_001130987.2(DYSF):c.1216G>C; p.Val406Leu; c.1123G>C, p.Val375Leu (NM_001130455.2, NM_001130983.2, NM_001130984.2 and 1 more transcripts); c.1120G>C, p.Val374Leu (NM_001130976.2, NM_001130977.2, NM_001130978.2 and 1 more transcripts); c.1213G>C, p.Val405Leu (NM_001130979.2, NM_001130980.2, NM_001130981.2); c.1216G>C, p.Val406Leu (NM_001130982.2, NM_001130985.2); short protein forms V374L, V406L, V375L, V405L.
Identifiers: ClinVar variation 94264 (VCV000094264.62), dbSNP rs150724610, ClinGen allele CA147717.